The following is an entry in ClinVar:

NM_017534.6(MYH2):c.4007C>T (p.Ala1336Val)

Genes: MYH2 (myosin heavy chain 2; minus strand), MYHAS (myosin heavy chain gene cluster antisense RNA; plus strand). Cytogenetic location: 17p13.1.
Variant type: single nucleotide variant.
Coding change: c.4007C>T on transcript NM_017534.6 (MANE Select); coding-DNA position 4007, C replaced by T.
Protein change: p.Ala1336Val; replaces alanine 1336 with valine.
Molecular consequence: missense variant.
Genome position (GRCh38, 1-based): chr17:10,526,779, G>A on the plus strand (C>T on the coding strand, the complement: MYH2 is on the minus strand). VCF-style: chr17-10526779-G-A. GRCh37 (hg19) VCF-style: chr17-10430096-G-A.
Other names: c.4007C>T, p.Ala1336Val (NM_001100112.2); short protein forms A1336V.
Identifiers: ClinVar variation 321670 (VCV000321670.13), dbSNP rs138470281, ClinGen allele CA8390748.

ClinVar aggregate classification (germline): Uncertain significance. Review status: criteria provided, multiple submitters, no conflicts (2 of 4 stars). 3 submissions from 3 submitters: Uncertain significance (3). Last evaluated 2025-09-08.

Conditions:
Myopathy, proximal, and ophthalmoplegia (CMYO6). Also called: MYOPATHY WITH CONGENITAL JOINT CONTRACTURES, OPHTHALMOPLEGIA, AND RIMMED VACUOLES; INCLUSION BODY MYOPATHY 3, AUTOSOMAL DOMINANT; CONGENITAL MYOPATHY 6 WITH OPHTHALMOPLEGIA. Identifiers: Orphanet 363677, Orphanet 79091, MedGen C1854106, MONDO:0011577, OMIM 605637.

Allele frequency attached by ClinVar (database versions not stated): TOPMed 0.00003.
gnomAD v4.1: 34 of 1,614,216 alleles (0.0021%); highest among the groups gnomAD compares: Middle Eastern, 0.017%; no homozygotes.

Submissions (3):

Labcorp Genetics (formerly Invitae), Labcorp
Classification: Uncertain significance for Myopathy, proximal, and ophthalmoplegia. Last evaluated: 2025-09-08. Review status: criteria provided, single submitter. Criteria: Invitae Variant Classification Sherloc (09022015). Collection method: clinical testing. Allele origin: germline.
Comment: This sequence change replaces alanine, which is neutral and non-polar, with valine, which is neutral and non-polar, at codon 1336 of the MYH2 protein (p.Ala1336Val). This variant is present in population databases (rs138470281, gnomAD 0.007%). This variant has not been reported in the literature in individuals affected with MYH2-related conditions. ClinVar contains an entry for this variant (Variation ID: 321670). Invitae Evidence Modeling of protein sequence and biophysical properties (such as structural, functional, and spatial information, amino acid conservation, physicochemical variation, residue mobility, and thermodynamic stability) indicates that this missense variant is not expected to disrupt MYH2 protein function with a negative predictive value of 80%. In summary, the available evidence is currently insufficient to determine the role of this variant in disease. Therefore, it has been classified as a Variant of Uncertain Significance.

Institute of Human Genetics, University of Leipzig Medical Center
Classification: Uncertain significance for Myopathy, proximal, and ophthalmoplegia. Last evaluated: 2020-09-29. Review status: criteria provided, single submitter. Criteria: ACMG Guidelines, 2015. Collection method: clinical testing. Allele origin: unknown. Affected: yes.

Illumina Laboratory Services, Illumina
Classification: Uncertain significance for Myopathy, proximal, and ophthalmoplegia. Last evaluated: 2018-01-13. Review status: criteria provided, single submitter. Criteria: ICSL Variant Classification Criteria 13 December 2019. Collection method: clinical testing. Allele origin: germline.